The following is an entry in ClinVar:

NM_002025.4(AFF2):c.1640G>A (p.Gly547Asp)

Gene: AFF2 (ALF transcription elongation factor 2; plus strand). Cytogenetic location: Xq28.
Variant type: single nucleotide variant.
Coding change: c.1640G>A on transcript NM_002025.4 (MANE Select); coding-DNA position 1640, G replaced by A.
Protein change: p.Gly547Asp; replaces glycine 547 with aspartic acid.
Molecular consequence: missense variant.
Genome position (GRCh38, 1-based): chrX:148,955,685, G>A. VCF-style: chrX-148955685-G-A. GRCh37 (hg19) VCF-style: chrX-148037215-G-A.
Other names: c.1541G>A, p.Gly514Asp (NM_001169122.2); c.1610G>A, p.Gly537Asp (NM_001169123.2); c.1535G>A, p.Gly512Asp (NM_001169124.2); c.1523G>A, p.Gly508Asp (NM_001169125.2); c.563G>A, p.Gly188Asp (NM_001170628.1); short protein forms G547D, G508D, G512D, G537D, G514D, G188D.
Identifiers: ClinVar variation 445777 (VCV000445777.27), dbSNP rs147098255, ClinGen allele CA10537044.

ClinVar aggregate classification (germline): Likely benign. Review status: criteria provided, multiple submitters, no conflicts (2 of 4 stars). 2 submissions from 2 submitters: Likely benign (2). Last evaluated 2023-09-01.

Allele frequency attached by ClinVar (database versions not stated): gnomAD 0.00003 and 0.00006; TOPMed 0.00004; gnomAD exomes 0.00015 and 0.00027; ExAC 0.00029; 1000 Genomes Project 30x 0.00042; 1000 Genomes Project 0.00053.
gnomAD v4.1: 164 of 1,209,656 alleles (0.014%); highest among the groups gnomAD compares: East Asian, 0.48%; 2 homozygotes.

Submissions (2):

CeGaT Center for Human Genetics Tuebingen
Classification: Likely benign. Last evaluated: 2023-09-01. Review status: criteria provided, single submitter. Criteria: CeGaT Center For Human Genetics Tuebingen Variant Classification Criteria Version 2. Collection method: clinical testing. Allele origin: germline. Affected: yes. Observed: 1 variant allele.
Comment: AFF2: BP4

Center for Pediatric Genomic Medicine, Children's Mercy Hospital and Clinics
Classification: Likely benign. Last evaluated: 2017-08-15. Review status: criteria provided, single submitter. Criteria: ACMG Guidelines, 2015. Collection method: clinical testing. Allele origin: germline.